The following is an entry in ClinVar:

NM_058195.4(CDKN2A):c.160C>T (p.Arg54Cys)

Gene: CDKN2A (cyclin dependent kinase inhibitor 2A; minus strand). Cytogenetic location: 9p21.3.
Variant type: single nucleotide variant.
Coding change: c.160C>T on transcript NM_058195.4 (MANE Plus Clinical); coding-DNA position 160, C replaced by T.
Protein change: p.Arg54Cys; replaces arginine 54 with cysteine.
Molecular consequence: missense variant. On other transcripts: intron variant (1).
Genome position (GRCh38, 1-based): chr9:21,994,172, G>A on the plus strand (C>T on the coding strand, the complement: CDKN2A is on the minus strand). VCF-style: chr9-21994172-G-A. GRCh37 (hg19) VCF-style: chr9-21994171-G-A.
Other names: c.-4+649C>T (NM_001363763.2); short protein forms R54C.
Identifiers: ClinVar variation 861581 (VCV000861581.7), dbSNP rs896054565, ClinGen allele CA373086827.
Genomic context (GRCh38, chr9:21,994,172, plus strand): 5'-CCCGGACTTTTCGAGGGCCTTTCCTACCTGGTCTTCTAGGAAGCGGCTGCTGCCCTAGAC[G>A]CTGGCTCCTCAGTAGCATCAGCACGAGGGCCACAGCGGCGGGCGCCCCTGGCGCTGCCCA-3'
Protein context (NP_478102.2, residues 44-64): ALVLMLLRSQ[Arg54Cys]LGQQPLPRRP

ClinVar aggregate classification (germline): Uncertain significance. Review status: criteria provided, multiple submitters, no conflicts (2 of 4 stars). 3 submissions from 3 submitters: Uncertain significance (3). Last evaluated 2024-02-27.

Conditions:
Familial melanoma. Also called: Hereditary melanoma; Hereditary cutaneous melanoma. Identifiers: Orphanet 618, MedGen C1512419, MONDO:0018961.
Hereditary cancer-predisposing syndrome. Also called: Tumor predisposition; Neoplastic Syndromes, Hereditary; Hereditary Cancer Syndrome; Hereditary neoplastic syndrome. Identifiers: Orphanet 140162, MedGen C0027672, MeSH D009386, MONDO:0015356.
Melanoma and neural system tumor syndrome. Also called: MELANOMA-ASTROCYTOMA SYNDROME. Identifiers: Orphanet 252206, MedGen C1835042, MONDO:0007967, OMIM 155755.

Allele frequency attached by ClinVar (database versions not stated): gnomAD exomes below 0.00001.
gnomAD v4.1: 2 of 1,603,758 alleles (0.00012%); highest among the groups gnomAD compares: Admixed American, 0.0017%; no homozygotes.

Submissions (3):

Ambry Genetics
Classification: Uncertain significance for Hereditary cancer-predisposing syndrome. Last evaluated: 2024-02-27. Review status: criteria provided, single submitter. Criteria: Ambry Variant Classification Scheme 2023. Collection method: clinical testing. Allele origin: germline.
Comment: The p.R54C variant (also known as c.160C>T), located in coding exon 1 of the CDKN2A (p14ARF) gene, results from a C to T substitution at nucleotide position 160. The arginine at codon 54 is replaced by cysteine, an amino acid with highly dissimilar properties. This amino acid position is not well conserved in available vertebrate species. In addition, the in silico prediction for this alteration is inconclusive. Since supporting evidence is limited at this time, the clinical significance of this alteration remains unclear.

Baylor Genetics
Classification: Uncertain significance for Melanoma and neural system tumor syndrome. Last evaluated: 2024-02-23. Review status: criteria provided, single submitter. Criteria: ACMG Guidelines, 2015. Collection method: clinical testing. Allele origin: unknown.

Labcorp Genetics (formerly Invitae), Labcorp
Classification: Uncertain significance for Familial melanoma. Last evaluated: 2021-10-18. Review status: criteria provided, single submitter. Criteria: Invitae Variant Classification Sherloc (09022015). Collection method: clinical testing. Allele origin: germline.
Comment: This sequence change replaces arginine with cysteine at codon 54 of the CDKN2A (p14ARF) protein (p.Arg54Cys). The arginine residue is highly conserved and there is a large physicochemical difference between arginine and cysteine. This variant is not present in population databases (ExAC no frequency). This variant has not been reported in the literature in individuals affected with CDKN2A (p14ARF)-related conditions. Algorithms developed to predict the effect of missense changes on protein structure and function (SIFT, PolyPhen-2, Align-GVGD) all suggest that this variant is likely to be disruptive. In summary, the available evidence is currently insufficient to determine the role of this variant in disease. Therefore, it has been classified as a Variant of Uncertain Significance.